The following is an entry in ClinVar:

NM_000069.3(CACNA1S):c.3632G>C (p.Gly1211Ala)

Gene: CACNA1S (calcium voltage-gated channel subunit alpha1 S; minus strand). Cytogenetic location: 1q32.1.
Variant type: single nucleotide variant.
Coding change: c.3632G>C on transcript NM_000069.3 (MANE Select); coding-DNA position 3632, G replaced by C.
Protein change: p.Gly1211Ala; replaces glycine 1211 with alanine.
Molecular consequence: missense variant.
Genome position (GRCh38, 1-based): chr1:201,054,539, C>G on the plus strand (G>C on the coding strand, the complement: CACNA1S is on the minus strand). VCF-style: chr1-201054539-C-G. GRCh37 (hg19) VCF-style: chr1-201023667-C-G.
Other names: c.3632G>C (NM_000069.2); short protein forms G1211A.
Identifiers: ClinVar variation 3072019 (VCV003072019.3), dbSNP rs758583828, ClinGen allele CA344155958.

ClinVar aggregate classification (germline): Uncertain significance. Review status: criteria provided, multiple submitters, no conflicts (2 of 4 stars). 3 submissions from 3 submitters: Uncertain significance (3). Last evaluated 2025-10-03.

Conditions:
Inborn genetic diseases. Identifiers: MedGen C0950123, MeSH D030342.
Malignant hyperthermia, susceptibility to, 5 (MHS5). Also called: CACNA1S-Related Malignant Hyperthermia Susceptibility. Identifiers: Orphanet 423, MedGen C1866077, MONDO:0011163, OMIM 601887.

gnomAD v4.1: 3 of 1,613,692 alleles (0.00019%); highest among the groups gnomAD compares: African/African-American, 0.0027%; no homozygotes.

Submissions (3):

Color Diagnostics, LLC DBA Color Health
Classification: Uncertain significance for Malignant hyperthermia, susceptibility to, 5. Last evaluated: 2025-10-03. Review status: criteria provided, single submitter. Criteria: ACMG Guidelines, 2015. Collection method: clinical testing. Allele origin: germline.
Comment: This missense variant replaces glycine with alanine at codon 1211 of the CACNA1S protein. Computational prediction is inconclusive regarding the impact of this variant on protein structure and function. To our knowledge, functional studies have not been reported for this variant. This variant has not been reported in individuals affected with CACNA1S-related disorders in the literature. This variant has been identified in 1/31380 chromosomes in the general population by the Genome Aggregation Database (gnomAD). The available evidence is insufficient to determine the role of this variant in disease conclusively. Therefore, this variant is classified as a Variant of Uncertain Significance.

Ambry Genetics
Classification: Uncertain significance for Inborn genetic diseases. Last evaluated: 2023-11-09. Review status: criteria provided, single submitter. Criteria: Ambry Variant Classification Scheme 2023. Collection method: clinical testing. Allele origin: germline.

All of Us Research Program, National Institutes of Health
Classification: Uncertain significance for Malignant hyperthermia, susceptibility to, 5. Last evaluated: 2023-06-26. Review status: criteria provided, single submitter. Criteria: ACMG Guidelines, 2015. Collection method: clinical testing. Allele origin: germline. Inheritance: Autosomal dominant inheritance. Observed: 1 variant allele, 1 heterozygote.
Comment: This missense variant replaces glycine with alanine at codon 1211 of the CACNA1S protein. Computational prediction is inconclusive regarding the impact of this variant on protein structure and function (internally defined REVEL score threshold 0.5 < inconclusive < 0.7, PMID: 27666373). To our knowledge, functional studies have not been reported for this variant. This variant has not been reported in individuals affected with CACNA1S-related disorders in the literature. This variant has been identified in 1/31380 chromosomes in the general population by the Genome Aggregation Database (gnomAD). The available evidence is insufficient to determine the role of this variant in disease conclusively. Therefore, this variant is classified as a Variant of Uncertain Significance.

This study involves interpretation of variants in research participants for the purpose of population health screening. Participant phenotype was not available at the time of variant classification. Additional details can be found in publication PMID: 35346344, PMCID: PMC8962531